The following is an entry in ClinVar:

ClinVar aggregate classification (germline): Uncertain significance (1 of 4 stars; one submission).

Submission:

Ambry Genetics
Classification: Uncertain significance. Last evaluated: 2022-01-27. Review status: criteria provided, single submitter. Criteria: Ambry Variant Classification Scheme 2023. Collection method: clinical testing. Allele origin: germline.
Comment: The p.D889H variant (also known as c.2665G>C), located in coding exon 24 of the KIF1B gene, results from a G to C substitution at nucleotide position 2665. The aspartic acid at codon 889 is replaced by histidine, an amino acid with similar properties. This amino acid position is conserved. In addition, the in silico prediction for this alteration is inconclusive. Since supporting evidence is limited at this time, the clinical significance of this alteration remains unclear.

NM_001365951.3(KIF1B):c.2803G>C (p.Asp935His)

Genes: KIF1B (kinesin family member 1B; plus strand), LOC126805614 (BRD4-independent group 4 enhancer GRCh37_chr1:10385546-10386745; plus strand). Cytogenetic location: 1p36.22.
Variant type: single nucleotide variant.
Coding change: c.2803G>C on transcript NM_001365951.3 (MANE Select); coding-DNA position 2803, G replaced by C.
Protein change: p.Asp935His; replaces aspartic acid 935 with histidine.
Molecular consequence: missense variant.
Genome position (GRCh38, 1-based): chr1:10,326,238, G>C. VCF-style: chr1-10326238-G-C. GRCh37 (hg19) VCF-style: chr1-10386296-G-C.
Other names: c.2803G>C, p.Asp935His (NM_001365952.1); c.2665G>C, p.Asp889His (NM_015074.3); short protein forms D935H, D889H.
Identifiers: ClinVar variation 1794494 (VCV001794494.2), dbSNP rs1440717066, ClinGen allele CA338337200.